The following is an entry in ClinVar:

ClinVar aggregate classification (germline): Uncertain significance (1 of 4 stars; one submission).

gnomAD v4.1: 1 of 1,614,200 alleles (0.000062%); highest among the groups gnomAD compares: South Asian, 0.0011%; no homozygotes.

Submission:

Women's Health and Genetics/Laboratory Corporation of America, LabCorp
Classification: Uncertain significance. Last evaluated: 2024-10-29. Review status: criteria provided, single submitter. Criteria: LabCorp Variant Classification Summary - May 2015. Collection method: clinical testing. Allele origin: germline.
Comment: Variant summary: EIF2AK1 c.1508A>G (p.Glu503Gly) results in a non-conservative amino acid change located in the Protein kinase domain (IPR000719) of the encoded protein sequence. Three of five in-silico tools predict a benign effect of the variant on protein function. The variant allele was found at a frequency of 6.2e-07 in 1607226 control chromosomes in the gnomAD database (v4.1 dataset). The available data on variant occurrences in the general population are insufficient to allow any conclusion about variant significance. To our knowledge, no occurrence of c.1508A>G in individuals affected with Leukoencephalopathy, Motor Delay, Spasticity, And Dysarthria Syndrome and no experimental evidence demonstrating its impact on protein function have been reported. No submitters have cited clinical-significance assessments for this variant to ClinVar. Based on the evidence outlined above, the variant was classified as uncertain significance.

NM_014413.4(EIF2AK1):c.1508A>G (p.Glu503Gly)

Gene: EIF2AK1 (eukaryotic translation initiation factor 2 alpha kinase 1; minus strand). Cytogenetic location: 7p22.1.
Variant type: single nucleotide variant.
Coding change: c.1508A>G on transcript NM_014413.4 (MANE Select); coding-DNA position 1508, A replaced by G.
Protein change: p.Glu503Gly; replaces glutamic acid 503 with glycine.
Molecular consequence: missense variant.
Genome position (GRCh38, 1-based): chr7:6,028,637, T>C on the plus strand (A>G on the coding strand, the complement: EIF2AK1 is on the minus strand). VCF-style: chr7-6028637-T-C. GRCh37 (hg19) VCF-style: chr7-6068268-T-C.
Other names: c.1505A>G, p.Glu502Gly (NM_001134335.2); short protein forms E502G, E503G.
Identifiers: ClinVar variation 3384951 (VCV003384951.1).